The following is an entry in ClinVar:

ClinVar aggregate classification (germline): Benign/Likely benign. Review status: criteria provided, multiple submitters, no conflicts (2 of 4 stars). 9 submissions from 9 submitters: Benign (8); Likely benign (1). Last evaluated 2026-02-04.

Conditions:
Cardiovascular phenotype. Identifiers: MedGen CN230736.
Ehlers-Danlos syndrome (EDS). Identifiers: Orphanet 98249, MedGen C0013720, MONDO:0020066.
Brittle cornea syndrome 1 (BCS1). Also called: Corneal fragility keratoglobus, blue sclerae AND joint hypermobility; DYSGENESIS MESODERMALIS CORNEAE ET SCLERAE; CORNEAL FRAGILITY, KERATOGLOBUS, BLUE SCLERAE, JOINT HYPEREXTENSIBILITY; EDS6B; FRAGILITAS OCULI WITH JOINT HYPEREXTENSIBILITY. Identifiers: Orphanet 90354, MedGen C0268344, MONDO:0024543, OMIM 229200.

Allele frequency attached by ClinVar (database versions not stated): 1000 Genomes Project 30x 0.00718; 1000 Genomes Project 0.00779; TOPMed 0.01033; gnomAD 0.01130 and 0.01140; gnomAD exomes 0.01257; ESP Exome Variant Server 0.01512; ExAC 0.01706.
gnomAD v4.1: 23,480 of 1,550,362 alleles (1.5%); highest among the groups gnomAD compares: Middle Eastern, 2.7%; 222 homozygotes.

Submissions (9):

Labcorp Genetics (formerly Invitae), Labcorp
Classification: Benign. Last evaluated: 2026-02-04. Review status: criteria provided, single submitter. Criteria: Invitae Variant Classification Sherloc (09022015). Collection method: clinical testing. Allele origin: germline.

Women's Health and Genetics/Laboratory Corporation of America, LabCorp
Classification: Benign. Last evaluated: 2026-01-22. Review status: criteria provided, single submitter. Criteria: LabCorp Variant Classification Summary - May 2015. Collection method: clinical testing. Allele origin: germline.

Blueprint Genetics
Classification: Likely benign. Last evaluated: 2024-11-27. Review status: criteria provided, single submitter. Criteria: ACMG Guidelines, 2015. Collection method: clinical testing. Allele origin: germline.

Mayo Clinic Laboratories, Mayo Clinic
Classification: Benign. Last evaluated: 2023-01-04. Review status: criteria provided, single submitter. Criteria: ACMG Guidelines, 2015. Collection method: clinical testing. Allele origin: germline. Observed: 98 variant alleles.
Comment: BS1, BS2, BP4, BP7

Genome Diagnostics Laboratory, The Hospital for Sick Children
Classification: Benign for Ehlers-Danlos syndrome. Last evaluated: 2022-03-12. Review status: criteria provided, single submitter. Criteria: ACMG Guidelines, 2015. Collection method: clinical testing. Allele origin: germline.

Genome-Nilou Lab
Classification: Benign for Brittle cornea syndrome 1. Last evaluated: 2021-12-05. Review status: criteria provided, single submitter. Criteria: ACMG Guidelines, 2015. Collection method: clinical testing. Allele origin: germline. Affected: no.

Ambry Genetics
Classification: Benign for Cardiovascular phenotype. Last evaluated: 2019-01-09. Review status: criteria provided, single submitter. Criteria: Ambry Variant Classification Scheme 2023. Collection method: clinical testing. Allele origin: germline.

GeneDx
Classification: Benign. Last evaluated: 2017-03-08. Review status: criteria provided, single submitter. Criteria: GeneDx Variant Classification (06012015). Collection method: clinical testing. Allele origin: germline. Affected: yes.
Comment: This variant is considered likely benign or benign based on one or more of the following criteria: it is a conservative change, it occurs at a poorly conserved position in the protein, it is predicted to be benign by multiple in silico algorithms, and/or has population frequency not consistent with disease.

Breakthrough Genomics
Classification: Benign. Review status: criteria provided, single submitter. Criteria: ACMG Guidelines, 2015. Collection method: not provided. Allele origin: germline. Inheritance: Autosomal recessive inheritance. Affected: yes.

NM_001367624.2(ZNF469):c.7764G>A (p.Pro2588=)

Gene: ZNF469 (zinc finger protein 469; plus strand). Cytogenetic location: 16q24.2.
Variant type: single nucleotide variant.
Coding change: c.7764G>A on transcript NM_001367624.2 (MANE Select); coding-DNA position 7764, G replaced by A.
Protein change: p.Pro2588=; no amino-acid change (proline 2588 retained).
Molecular consequence: synonymous variant.
Genome position (GRCh38, 1-based): chr16:88,435,234, G>A. VCF-style: chr16-88435234-G-A. GRCh37 (hg19) VCF-style: chr16-88501642-G-A.
Other names: NM_001127464.1:c.7680G>A; NM_001127464.2:c.7680G>A; p.Pro2588=.
Identifiers: ClinVar variation 386522 (VCV000386522.19), dbSNP rs117149938, ClinGen allele CA8225279.